The following is an entry in ClinVar:

ClinVar aggregate classification (germline): Uncertain significance (1 of 4 stars; one submission).

gnomAD v4.1: 3 of 1,588,732 alleles (0.00019%); highest among the groups gnomAD compares: Admixed American, 0.0018%; no homozygotes.

Submission:

Labcorp Genetics (formerly Invitae), Labcorp
Classification: Uncertain significance. Last evaluated: 2021-10-09. Review status: criteria provided, single submitter. Criteria: Invitae Variant Classification Sherloc (09022015). Collection method: clinical testing. Allele origin: germline.
Comment: In summary, the available evidence is currently insufficient to determine the role of this variant in disease. Therefore, it has been classified as a Variant of Uncertain Significance. Algorithms developed to predict the effect of missense changes on protein structure and function are either unavailable or do not agree on the potential impact of this missense change (SIFT: "Deleterious"; PolyPhen-2: "Benign"; Align-GVGD: "Class C0"). This variant has not been reported in the literature in individuals affected with DOCK6-related conditions. This variant is not present in population databases (ExAC no frequency). This sequence change replaces serine with cysteine at codon 776 of the DOCK6 protein (p.Ser776Cys). The serine residue is moderately conserved and there is a moderate physicochemical difference between serine and cysteine.

NM_020812.4(DOCK6):c.2327C>G (p.Ser776Cys)

Gene: DOCK6 (dedicator of cytokinesis 6; minus strand). Cytogenetic location: 19p13.2.
Variant type: single nucleotide variant.
Coding change: c.2327C>G on transcript NM_020812.4 (MANE Select); coding-DNA position 2327, C replaced by G.
Protein change: p.Ser776Cys; replaces serine 776 with cysteine.
Molecular consequence: missense variant.
Genome position (GRCh38, 1-based): chr19:11,236,411, G>C on the plus strand (C>G on the coding strand, the complement: DOCK6 is on the minus strand). VCF-style: chr19-11236411-G-C. GRCh37 (hg19) VCF-style: chr19-11347087-G-C.
Other names: c.2327C>G, p.Ser776Cys (NM_001367830.1); short protein forms S776C.
Identifiers: ClinVar variation 1493615 (VCV001493615.6), dbSNP rs1019626916, ClinGen allele CA305331945.